The following is an entry in ClinVar:

NM_024580.6(EFL1):c.2026G>A (p.Glu676Lys)

Gene: EFL1 (elongation factor like GTPase 1; minus strand). Cytogenetic location: 15q25.2.
Variant type: single nucleotide variant.
Coding change: c.2026G>A on transcript NM_024580.6 (MANE Select); coding-DNA position 2026, G replaced by A.
Protein change: p.Glu676Lys; replaces glutamic acid 676 with lysine.
Molecular consequence: missense variant. On other transcripts: non-coding transcript variant (1).
Genome position (GRCh38, 1-based): chr15:82,157,717, C>T on the plus strand (G>A on the coding strand, the complement: EFL1 is on the minus strand). VCF-style: chr15-82157717-C-T. GRCh37 (hg19) VCF-style: chr15-82450058-C-T.
Other names: c.1873G>A, p.Glu625Lys (NM_001040610.3); c.1237G>A, p.Glu413Lys (NM_001322844.2); c.2026G>A, p.Glu676Lys (NM_001322845.2); short protein forms E413K, E676K, E625K.
Identifiers: ClinVar variation 2004974 (VCV002004974.4), dbSNP rs2505326467, ClinGen allele CA393273393.

ClinVar aggregate classification (germline): Uncertain significance (1 of 4 stars; one submission).

Submission:

Labcorp Genetics (formerly Invitae), Labcorp
Classification: Uncertain significance. Last evaluated: 2022-06-18. Review status: criteria provided, single submitter. Criteria: Invitae Variant Classification Sherloc (09022015). Collection method: clinical testing. Allele origin: germline.
Comment: This sequence change replaces glutamic acid, which is acidic and polar, with lysine, which is basic and polar, at codon 676 of the EFL1 protein (p.Glu676Lys). In summary, the available evidence is currently insufficient to determine the role of this variant in disease. Therefore, it has been classified as a Variant of Uncertain Significance. Algorithms developed to predict the effect of missense changes on protein structure and function (SIFT, PolyPhen-2, Align-GVGD) all suggest that this variant is likely to be tolerated. This variant has not been reported in the literature in individuals affected with EFL1-related conditions. This variant is not present in population databases (gnomAD no frequency).